The following is an entry in ClinVar:

ClinVar aggregate classification (germline): Pathogenic. Review status: reviewed by expert panel (3 of 4 stars). 26 submissions from 26 submitters: Pathogenic (1). 25 of the submissions do not count toward it. Last evaluated 2016-12-15.

Conditions:
MYH7-related disorder. Also called: MYH7-related disorders; MYH7-related condition; MYH7-related disease.
Myosin storage myopathy (CMYO7A). Also called: SCAPULOPERONEAL MUSCULAR DYSTROPHY; SCAPULOPERONEAL SYNDROME, MYOPATHIC TYPE; MYOPATHY, HYALINE BODY, AUTOSOMAL DOMINANT; Scapuloperoneal myopathy, MYH7-related; MYOPATHY WITH LYSIS OF TYPE I MYOFIBRILS; MYH7-related late-onset scapuloperoneal muscular dystrophy. Identifiers: Orphanet 437572, Orphanet 636965, MedGen C1842160, MONDO:0008409, OMIM 608358.
Myopathy, myosin storage, autosomal recessive (CMYO7B). Also called: CONGENITAL MYOPATHY 7B, MYOSIN STORAGE, AUTOSOMAL RECESSIVE. Identifiers: Orphanet 636970, MedGen C1850709, MONDO:0009708, OMIM 255160.
Hypertrophic cardiomyopathy 1 (CMH1). Also called: Familial hypertrophic cardiomyopathy 1; MYH7-Related Familial Hypertrophic Cardiomyopathy. Identifiers: MedGen C3495498, MONDO:0008647, OMIM 192600.
MYH7-related skeletal myopathy. Also called: Myopathy, distal, 1; MYOPATHY, DISTAL, EARLY-ONSET, AUTOSOMAL DOMINANT; MYOPATHY, LATE DISTAL HEREDITARY; Laing distal myopathy; Laing early-onset distal myopathy. Identifiers: Orphanet 59135, MedGen C4552004, MONDO:0008050, OMIM 160500.
Dilated cardiomyopathy 1S (CMD1S). Identifiers: Orphanet 154, Orphanet 54260, MedGen C1834481, MONDO:0013262, OMIM 613426.
Congenital myopathy with fiber type disproportion. Also called: Congenital fiber-type disproportion myopathy; Congenital fiber-type disproportion. Identifiers: Orphanet 2020, MedGen C0546264, MONDO:0009711. Inheritance: all.
Cardiovascular phenotype. Identifiers: MedGen CN230736.
Cardiomyopathy (CMYO). Also called: Cardiomyopathies. Identifiers: Orphanet 167848, MedGen C0878544, MONDO:0004994, HP:0001638. Inheritance: Various modes of inheritance.
Hypertrophic cardiomyopathy. Also called: HYPERTROPHIC MYOCARDIOPATHY. Identifiers: Orphanet 217569, MedGen C0007194, MeSH D002312, MONDO:0005045, HP:0001639.

Allele frequency attached by ClinVar (database versions not stated): gnomAD exomes below 0.00001.

Submissions 1 to 6 of 26:

ClinGen Cardiomyopathy Variant Curation Expert Panel
Classification: Pathogenic for Hypertrophic cardiomyopathy. Last evaluated: 2016-12-15. Review status: reviewed by expert panel. Criteria: ClinGen CMP ACMG Specifications v1. Collection method: curation. Allele origin: germline. Inheritance: Autosomal dominant inheritance.
Comment: The c.1207C>T (p.Arg403Trp) variant in MYH7 has been reported in >20 individuals with hypertrophic cardiomyopathy and segregated with disease in >20 affected family members (PS4 and PP1_Strong; PMID:1052196; PMID:7662452; PMID:7848420; PMID:8254035; PMID:8268932; PMID:12707239; PMID:12974739; PMID:15010274; PMID:15856146; PMID:17612745; PMID:20428263; PMID:21239446; PMID:26383716; Partners LMM ClinVar SCV000059358.5; AGCMC Sydney ClinVar SCV000212643.1; SHaRe consortium, PMID: 30297972). This variant was absent from large population studies (PM2). This variant lies in the head region of the protein (aa 181-937) and missense variants in this region are statistically more likely to be disease-associated (PM1; PMID:27532257). Computational prediction tools and conservation analysis suggest that this variant may impact the protein (PP3). A different pathogenic missense variant has been previously identified at this codon which may indicate that this residue is critical to the function of the protein (PM5; c.1208G>A p.Arg403Gln - Variation ID 14087). In summary, this variant meets criteria to be classified as pathogenic for hypertrophic cardiomyopathy in an autosomal dominant manner. MYH7-specific ACMG/AMP criteria applied (PMID:29300372): PS4; PP1_Strong; PM1; PM2; PM5; PP3

CeGaT Center for Human Genetics Tuebingen
Classification: Pathogenic. Last evaluated: 2026-05-01. Review status: criteria provided, single submitter. Criteria: CeGaT Center For Human Genetics Tuebingen Variant Classification Criteria Version 2. Collection method: clinical testing. Allele origin: germline. Affected: yes. Observed: 3 variant alleles. Not counted in ClinVar's aggregate classification.
Comment: MYH7: PP1:Strong, PM1, PM2, PM5, PS4:Moderate, PP3

Labcorp Genetics (formerly Invitae), Labcorp
Classification: Pathogenic for Hypertrophic cardiomyopathy. Last evaluated: 2026-02-01. Review status: criteria provided, single submitter. Criteria: Invitae Variant Classification Sherloc (09022015). Collection method: clinical testing. Allele origin: germline. Not counted in ClinVar's aggregate classification.
Comment: This sequence change replaces arginine, which is basic and polar, with tryptophan, which is neutral and slightly polar, at codon 403 of the MYH7 protein (p.Arg403Trp). This variant is not present in population databases (gnomAD no frequency). This missense change has been observed in individual(s) with familial hypertrophic cardiomyopathy (PMID: 8254035, 18029407). It has also been observed to segregate with disease in related individuals. ClinVar contains an entry for this variant (Variation ID: 14102). Invitae Evidence Modeling of protein sequence and biophysical properties (such as structural, functional, and spatial information, amino acid conservation, physicochemical variation, residue mobility, and thermodynamic stability) indicates that this missense variant is expected to disrupt MYH7 protein function with a positive predictive value of 95%. Experimental studies have shown that this missense change affects MYH7 function (PMID: 10882745, 15010274). This variant disrupts the p.Arg403 amino acid residue in MYH7. Other variant(s) that disrupt this residue have been determined to be pathogenic (PMID: 1638703, 1975517, 12975413, 23751935). This suggests that this residue is clinically significant, and that variants that disrupt this residue are likely to be disease-causing. For these reasons, this variant has been classified as Pathogenic.

Victorian Clinical Genetics Services, Murdoch Childrens Research Institute
Classification: Pathogenic for Hypertrophic cardiomyopathy 1. Last evaluated: 2025-09-15. Review status: criteria provided, single submitter. Criteria: ACMG Guidelines, 2015. Collection method: clinical testing. Allele origin: germline. Affected: yes. Not counted in ClinVar's aggregate classification.
Comment: This variant is classified as Pathogenic. Evidence in support of pathogenic classification: Variant is present in gnomAD <0.01 (v4: 5 heterozygote(s), 0 homozygote(s)); This variant has strong previous evidence of pathogenicity in unrelated individuals. It has been classified as pathogenic by several expert panels (ClinVar, PMID: 27532257); Another missense variant comparable to the one identified in this case has moderate previous evidence for pathogenicity. p.(Arg403Gln) has been classified as pathogenic by an expert panel in ClinVar; Variant is located in a hotspot region or cluster of pathogenic variants. This variant is found within the head region, which is enriched with pathogenic missense variants (PMID: 29300372); Missense variant predicted to be damaging by in silico tool(s) or highly conserved with a major amino acid change. Additional information: Variant is predicted to result in a missense amino acid change from arginine to tryptophan; This variant is heterozygous; This gene is associated with both recessive and dominant disease. Disease associated with this gene usually has autosomal dominant inheritance; however, a recessive inheritance pattern has been observed in severe cases (OMIM); The mechanism of disease for this gene is not clearly established; however, missense variants have been proposed to act in a dominant negative manner (PMID: 24714796); The condition associated with this gene has incomplete penetrance (PMID: 29300372).

Institute of Immunology and Genetics Kaiserslautern
Classification: Pathogenic for Hypertrophic cardiomyopathy 1. Last evaluated: 2025-06-23. Review status: criteria provided, single submitter. Criteria: ACMG Guidelines, 2015. Collection method: clinical testing. Allele origin: germline. Affected: yes. Not counted in ClinVar's aggregate classification.
Comment: ACMG Criteria: PS3, PS4, PM1, PM2_P, PM5, PP1_M, PP3, PP5_M; Variant was found in heterozygous state.

Color Diagnostics, LLC DBA Color Health
Classification: Pathogenic for Cardiomyopathy. Last evaluated: 2024-10-29. Review status: criteria provided, single submitter. Criteria: ACMG Guidelines, 2015. Collection method: clinical testing. Allele origin: germline. Not counted in ClinVar's aggregate classification.
Comment: This missense variant replaces arginine with tryptophan at codon 403 of the MYH7 protein. This variant is found within a highly conserved region of the myosin head domain. Missense variants in this region have been shown to be significantly overrepresented in individuals with affected with hypertrophic cardiomyopathy (PMID: 27532257). Computational prediction suggests that this variant may have deleterious impact on protein structure and function. Functional studies have shown that this variant may impact MYH7 mechanistic activity (PMID: 10882745, 15010274). This variant has been reported in more than 20 individuals affected with hypertrophic cardiomyopathy (PMID: 7662452, 7848420, 27532257, 28790153, 29300372, 30924982, 33673806, 35026164, 38757491). It has been shown that this variant segregates with disease in multiple affected individuals across multiple families (PMID: 7662452, 7848420). Different variants occurring at the same codon, p.Arg403Gln and p.Arg403Leu, are known to be disease-causing (Clinvar variation ID: 14087, 14101), indicating that arginine at this position is important for MYH7 protein function. This variant has not been identified in the general population by the Genome Aggregation Database (gnomAD). Based on the available evidence, this variant is classified as Pathogenic.

NM_000257.4(MYH7):c.1207C>T (p.Arg403Trp)

Gene: MYH7 (myosin heavy chain 7; minus strand). Cytogenetic location: 14q11.2.
Variant type: single nucleotide variant.
Coding change: c.1207C>T on transcript NM_000257.4 (MANE Select); coding-DNA position 1207, C replaced by T.
Protein change: p.Arg403Trp; replaces arginine 403 with tryptophan.
Molecular consequence: missense variant.
Genome position (GRCh38, 1-based): chr14:23,429,279, G>A on the plus strand (C>T on the coding strand, the complement: MYH7 is on the minus strand). VCF-style: chr14-23429279-G-A. GRCh37 (hg19) VCF-style: chr14-23898488-G-A.
Other names: p.R403W:CGG>TGG; NM_000257.3(MYH7):c.1207C>T; short protein forms R403W.
Identifiers: ClinVar variation 14102 (VCV000014102.89), dbSNP rs3218714, ClinGen allele CA010360.